The following is an entry in ClinVar:

NM_001114753.3(ENG):c.1153A>G (p.Thr385Ala)

Genes: ENG (endoglin; minus strand), LOC102723566 (uncharacterized LOC102723566; plus strand). Cytogenetic location: 9q34.11.
Variant type: single nucleotide variant.
Coding change: c.1153A>G on transcript NM_001114753.3 (MANE Select); coding-DNA position 1153, A replaced by G.
Protein change: p.Thr385Ala; replaces threonine 385 with alanine.
Molecular consequence: missense variant.
Genome position (GRCh38, 1-based): chr9:127,820,019, T>C on the plus strand (A>G on the coding strand, the complement: ENG is on the minus strand). VCF-style: chr9-127820019-T-C. GRCh37 (hg19) VCF-style: chr9-130582298-T-C.
Other names: c.1153A>G, p.Thr385Ala (NM_000118.4); c.607A>G, p.Thr203Ala (NM_001278138.2); short protein forms T203A, T385A.
Identifiers: ClinVar variation 1505638 (VCV001505638.7), dbSNP rs1830434864, ClinGen allele CA374978819.

ClinVar aggregate classification (germline): Uncertain significance (1 of 4 stars; one submission).

Conditions:
Hereditary hemorrhagic telangiectasia (HHT). Also called: ORW DISEASE; Osler Weber Rendu syndrome; OSLER-RENDU-WEBER DISEASE; Osler hemorrhagic telangiectasia syndrome. Identifiers: Orphanet 774, MedGen C0039445, MONDO:0019180. Disease mechanism: loss of function.

Submission:

Labcorp Genetics (formerly Invitae), Labcorp
Classification: Uncertain significance for Hereditary hemorrhagic telangiectasia. Last evaluated: 2021-09-16. Review status: criteria provided, single submitter. Criteria: Invitae Variant Classification Sherloc (09022015). Collection method: clinical testing. Allele origin: germline.
Comment: This sequence change replaces threonine with alanine at codon 385 of the ENG protein (p.Thr385Ala). The threonine residue is weakly conserved and there is a small physicochemical difference between threonine and alanine. This variant is not present in population databases (ExAC no frequency). This variant has not been reported in the literature in individuals affected with ENG-related conditions. Advanced modeling of protein sequence and biophysical properties (such as structural, functional, and spatial information, amino acid conservation, physicochemical variation, residue mobility, and thermodynamic stability) performed at Invitae indicates that this missense variant is not expected to disrupt ENG protein function. In summary, the available evidence is currently insufficient to determine the role of this variant in disease. Therefore, it has been classified as a Variant of Uncertain Significance.